The following is an entry in ClinVar:

NM_005027.4(PIK3R2):c.886_901+5dup

Gene: PIK3R2 (phosphoinositide-3-kinase regulatory subunit 2; plus strand). Cytogenetic location: 19p13.11.
Variant type: Duplication.
Coding change: c.886_901+5dup on transcript NM_005027.4 (MANE Select); coding-DNA position 886 through 5 bases into the intron after coding-DNA position 901, 21 bases duplicated (GAGGTTGCGCCCCCAGGTGAG).
Molecular consequence: splice donor variant.
Genome position (GRCh38, 1-based): chr19:18,162,036-18,162,056, GAGGTTGCGCCCCCAGGTGAG duplicated; duplicating any 21 consecutive bases within chr19:18,162,034-18,162,056 gives the same sequence; the c. name uses the placement nearest the transcript's 3' end. VCF-style (leftmost placement, unchanged base first): chr19-18162033-C-CAGGAGGTTGCGCCCCCAGGTG. GRCh37 (hg19) VCF-style: chr19-18272843-C-CAGGAGGTTGCGCCCCCAGGTG.
Identifiers: ClinVar variation 5017144 (VCV005017144.1).

ClinVar aggregate classification (germline): Uncertain significance (1 of 4 stars; one submission).

Submission:

GeneDx
Classification: Uncertain significance. Last evaluated: 2026-03-25. Review status: criteria provided, single submitter. Criteria: GeneDx Variant Classification Process June 2021. Collection method: clinical testing. Allele origin: germline.
Comment: Not observed at significant frequency in large population cohorts (gnomAD); Has not been previously published as pathogenic or benign to our knowledge; In silico analysis suggests this variant may impact gene splicing. In the absence of RNA/functional studies, the actual effect of this sequence change is unknown.